The following is an entry in ClinVar:

NM_000285.4(PEPD):c.868T>C (p.Cys290Arg)

Gene: PEPD (peptidase D; minus strand). Cytogenetic location: 19q13.11.
Variant type: single nucleotide variant.
Coding change: c.868T>C on transcript NM_000285.4 (MANE Select); coding-DNA position 868, T replaced by C.
Protein change: p.Cys290Arg; replaces cysteine 290 with arginine.
Molecular consequence: missense variant.
Genome position (GRCh38, 1-based): chr19:33,401,820, A>G on the plus strand (T>C on the coding strand, the complement: PEPD is on the minus strand). VCF-style: chr19-33401820-A-G. GRCh37 (hg19) VCF-style: chr19-33892726-A-G.
Other names: c.745T>C, p.Cys249Arg (NM_001166056.2); c.676T>C, p.Cys226Arg (NM_001166057.2); short protein forms C226R, C290R, C249R.
Identifiers: ClinVar variation 1486224 (VCV001486224.6), dbSNP rs775640182, ClinGen allele CA9364090.

ClinVar aggregate classification (germline): Uncertain significance (1 of 4 stars; one submission).

Allele frequency attached by ClinVar (database versions not stated): gnomAD exomes below 0.00001; ExAC 0.00001; gnomAD 0.00001; TOPMed 0.00001.
gnomAD v4.1: 1 of 1,613,152 alleles (0.000062%); highest among the groups gnomAD compares: African/African-American, 0.0013%; no homozygotes.

Submission:

Labcorp Genetics (formerly Invitae), Labcorp
Classification: Uncertain significance. Last evaluated: 2022-03-19. Review status: criteria provided, single submitter. Criteria: Invitae Variant Classification Sherloc (09022015). Collection method: clinical testing. Allele origin: germline.
Comment: This sequence change replaces cysteine, which is neutral and slightly polar, with arginine, which is basic and polar, at codon 290 of the PEPD protein (p.Cys290Arg). This variant is present in population databases (rs775640182, gnomAD 0.007%). This variant has not been reported in the literature in individuals affected with PEPD-related conditions. Algorithms developed to predict the effect of missense changes on protein structure and function are either unavailable or do not agree on the potential impact of this missense change (SIFT: "Tolerated"; PolyPhen-2: "Probably Damaging"; Align-GVGD: "Class C0"). In summary, the available evidence is currently insufficient to determine the role of this variant in disease. Therefore, it has been classified as a Variant of Uncertain Significance.